The following is an entry in ClinVar:

Conditions:
Arteriohepatic dysplasia. Also called: Alagille Syndrome. Identifiers: Orphanet 52, MedGen C0085280, MeSH D016738, MONDO:0007318.

Submission:

Gilbert/Spinner Lab, Children's Hospital of Philadelphia
No classification provided (evidence only). Condition: Alagille syndrome. Review status: no classification provided. Collection method: research. Allele origin: not applicable. Functional consequence: functionally_abnormal.
ClinVar note: "not provided" was previously submitted as the classification for the variant. However, the classification appeared to be based only on an observation of functional data so it was converted to no classification on 2025-07-30.

NM_000214.3(JAG1):c.786T>G (p.Cys262Trp)

Gene: JAG1 (jagged canonical Notch ligand 1; minus strand). Cytogenetic location: 20p12.2.
Variant type: single nucleotide variant.
Coding change: c.786T>G on transcript NM_000214.3 (MANE Select); coding-DNA position 786, T replaced by G.
Protein change: p.Cys262Trp; replaces cysteine 262 with tryptophan.
Molecular consequence: missense variant.
Genome position (GRCh38, 1-based): chr20:10,652,568, A>C on the plus strand (T>G on the coding strand, the complement: JAG1 is on the minus strand). VCF-style: chr20-10652568-A-C. GRCh37 (hg19) VCF-style: chr20-10633216-A-C.
Other names: short protein forms C262W.
Identifiers: ClinVar variation 3573371 (VCV003573371.2).
Genomic context (GRCh38, chr20:10,652,568, plus strand): 5'-GCACTGCCAGGGCTCATTACAGATGCCGTGGACGCATCCCGGGTGTGGGATGCACTTATC[A>C]CAGTACAGGCCTTGCCAGCCGTACTGGCACCTGGAGACACACAGCACACCTCCAGGTTAG-3'
Protein context (NP_000205.1, residues 252-272): RCQYGWQGLY[Cys262Trp]DKCIPHPGCV